The following is an entry in ClinVar:

ClinVar aggregate classification (germline): Uncertain significance (1 of 4 stars; one submission).

gnomAD v4.1: 2 of 1,613,962 alleles (0.00012%); highest among the groups gnomAD compares: Non-Finnish European, 0.000085%; no homozygotes.

Submission:

Labcorp Genetics (formerly Invitae), Labcorp
Classification: Uncertain significance. Last evaluated: 2025-03-16. Review status: criteria provided, single submitter. Criteria: Invitae Variant Classification Sherloc (09022015). Collection method: clinical testing. Allele origin: germline.
Comment: This sequence change replaces proline, which is neutral and non-polar, with leucine, which is neutral and non-polar, at codon 417 of the DSG1 protein (p.Pro417Leu). This variant is not present in population databases (gnomAD no frequency). This variant has not been reported in the literature in individuals affected with DSG1-related conditions. Invitae Evidence Modeling of protein sequence and biophysical properties (such as structural, functional, and spatial information, amino acid conservation, physicochemical variation, residue mobility, and thermodynamic stability) indicates that this missense variant is not expected to disrupt DSG1 protein function with a negative predictive value of 80%. In summary, the available evidence is currently insufficient to determine the role of this variant in disease. Therefore, it has been classified as a Variant of Uncertain Significance.

NM_001942.4(DSG1):c.1250C>T (p.Pro417Leu)

Gene: DSG1 (desmoglein 1; plus strand). Cytogenetic location: 18q12.1.
Variant type: single nucleotide variant.
Coding change: c.1250C>T on transcript NM_001942.4 (MANE Select); coding-DNA position 1250, C replaced by T.
Protein change: p.Pro417Leu; replaces proline 417 with leucine.
Molecular consequence: missense variant.
Genome position (GRCh38, 1-based): chr18:31,336,598, C>T. VCF-style: chr18-31336598-C-T. GRCh37 (hg19) VCF-style: chr18-28916561-C-T.
Other names: short protein forms P417L.
Identifiers: ClinVar variation 4701406 (VCV004701406.1).